The following is an entry in ClinVar:

NM_004444.5(EPHB4):c.109C>T (p.Gln37Ter)

Gene: EPHB4 (EPH receptor B4; minus strand). Cytogenetic location: 7q22.1.
Variant type: single nucleotide variant.
Coding change: c.109C>T on transcript NM_004444.5 (MANE Select); coding-DNA position 109, C replaced by T.
Protein change: p.Gln37Ter; replaces glutamine 37 with a stop codon.
Molecular consequence: nonsense.
Genome position (GRCh38, 1-based): chr7:100,824,217, G>A on the plus strand (C>T on the coding strand, the complement: EPHB4 is on the minus strand). VCF-style: chr7-100824217-G-A. GRCh37 (hg19) VCF-style: chr7-100421839-G-A.
Other names: short protein forms Q37*.
Identifiers: ClinVar variation 2871500 (VCV002871500.3), dbSNP rs1813316083, ClinGen allele CA368585003.

ClinVar aggregate classification (germline): Pathogenic (1 of 4 stars; one submission).

Submission:

Labcorp Genetics (formerly Invitae), Labcorp
Classification: Pathogenic. Last evaluated: 2024-01-08. Review status: criteria provided, single submitter. Criteria: Invitae Variant Classification Sherloc (09022015). Collection method: clinical testing. Allele origin: germline.
Comment: This sequence change creates a premature translational stop signal (p.Gln37*) in the EPHB4 gene. It is expected to result in an absent or disrupted protein product. Loss-of-function variants in EPHB4 are known to be pathogenic (PMID: 28687708). This variant is not present in population databases (gnomAD no frequency). This variant has not been reported in the literature in individuals affected with EPHB4-related conditions. Algorithms developed to predict the effect of sequence changes on RNA splicing suggest that this variant may disrupt the consensus splice site. For these reasons, this variant has been classified as Pathogenic.

Literature cited by the submitters: PubMed 28687708.